The following is an entry in ClinVar:

NM_002109.6(HARS1):c.166C>T (p.Leu56Phe)

Gene: HARS1 (histidyl-tRNA synthetase 1; minus strand). Cytogenetic location: 5q31.3.
Variant type: single nucleotide variant.
Coding change: c.166C>T on transcript NM_002109.6 (MANE Select); coding-DNA position 166, C replaced by T.
Protein change: p.Leu56Phe; replaces leucine 56 with phenylalanine.
Molecular consequence: missense variant.
Genome position (GRCh38, 1-based): chr5:140,690,869, G>A on the plus strand (C>T on the coding strand, the complement: HARS1 is on the minus strand). VCF-style: chr5-140690869-G-A. GRCh37 (hg19) VCF-style: chr5-140070454-G-A.
Other names: c.166C>T, p.Leu56Phe (NM_001258040.3, NM_001258041.3, NM_001258042.3 and 2 more transcripts); c.79C>T, p.Leu27Phe (NM_001289094.2); short protein forms L27F, L56F.
Identifiers: ClinVar variation 3781262 (VCV003781262.3).

ClinVar aggregate classification (germline): Uncertain significance. Review status: criteria provided, multiple submitters, no conflicts (2 of 4 stars). 2 submissions from 2 submitters: Uncertain significance (2). Last evaluated 2025-05-20.

gnomAD v4.1: 2 of 1,593,700 alleles (0.00013%); highest among the groups gnomAD compares: Non-Finnish European, 0.00017%; no homozygotes.

Submissions (2):

GeneDx
Classification: Uncertain significance. Last evaluated: 2025-05-20. Review status: criteria provided, single submitter. Criteria: GeneDx Variant Classification Process June 2021. Collection method: clinical testing. Allele origin: germline. Affected: yes.
Comment: Not observed at significant frequency in large population cohorts (gnomAD); In silico analysis supports that this missense variant has a deleterious effect on protein structure/function; Has not been previously published as pathogenic or benign to our knowledge

Blueprint Genetics
Classification: Uncertain significance. Last evaluated: 2023-09-08. Review status: criteria provided, single submitter. Criteria: ACMG Guidelines, 2015. Collection method: clinical testing. Allele origin: germline.